The following is an entry in ClinVar:

ClinVar aggregate classification (germline): Uncertain significance (1 of 4 stars; one submission).

Conditions:
Familial hemophagocytic lymphohistiocytosis 5. Also called: STXBP2-Related Familial Hemophagocytic Lymphohistiocytosis (STXBP2-fHLH). Identifiers: Orphanet 540, MedGen C2751293, MONDO:0013135, OMIM 613101.

Submission:

Labcorp Genetics (formerly Invitae), Labcorp
Classification: Uncertain significance for Familial hemophagocytic lymphohistiocytosis 5. Last evaluated: 2025-01-13. Review status: criteria provided, single submitter. Criteria: Invitae Variant Classification Sherloc (09022015). Collection method: clinical testing. Allele origin: germline.
Comment: This sequence change replaces valine, which is neutral and non-polar, with alanine, which is neutral and non-polar, at codon 126 of the STXBP2 protein (p.Val126Ala). This variant is not present in population databases (gnomAD no frequency). This variant has not been reported in the literature in individuals affected with STXBP2-related conditions. ClinVar contains an entry for this variant (Variation ID: 1475331). Invitae Evidence Modeling of protein sequence and biophysical properties (such as structural, functional, and spatial information, amino acid conservation, physicochemical variation, residue mobility, and thermodynamic stability) indicates that this missense variant is not expected to disrupt STXBP2 protein function with a negative predictive value of 95%. In summary, the available evidence is currently insufficient to determine the role of this variant in disease. Therefore, it has been classified as a Variant of Uncertain Significance.

NM_006949.4(STXBP2):c.377T>C (p.Val126Ala)

Gene: STXBP2 (syntaxin binding protein 2; plus strand). Cytogenetic location: 19p13.2.
Variant type: single nucleotide variant.
Coding change: c.377T>C on transcript NM_006949.4 (MANE Select); coding-DNA position 377, T replaced by C.
Protein change: p.Val126Ala; replaces valine 126 with alanine.
Molecular consequence: missense variant. On other transcripts: non-coding transcript variant (1).
Genome position (GRCh38, 1-based): chr19:7,640,951, T>C. VCF-style: chr19-7640951-T-C. GRCh37 (hg19) VCF-style: chr19-7705837-T-C.
Other names: c.368T>C, p.Val123Ala (NM_001127396.3); c.410T>C, p.Val137Ala (NM_001272034.2); short protein forms V123A, V137A, V126A.
Identifiers: ClinVar variation 1475331 (VCV001475331.4), dbSNP rs2146213993, ClinGen allele CA403157669.